The following is an entry in ClinVar:

NM_000271.5(NPC1):c.1140C>G (p.Leu380=)

Gene: NPC1 (NPC intracellular cholesterol transporter 1; minus strand). Cytogenetic location: 18q11.2.
Variant type: single nucleotide variant.
Coding change: c.1140C>G on transcript NM_000271.5 (MANE Select); coding-DNA position 1140, C replaced by G.
Protein change: p.Leu380=; no amino-acid change (leucine 380 retained).
Molecular consequence: synonymous variant.
Genome position (GRCh38, 1-based): chr18:23,556,429, G>C on the plus strand (C>G on the coding strand, the complement: NPC1 is on the minus strand). VCF-style: chr18-23556429-G-C. GRCh37 (hg19) VCF-style: chr18-21136393-G-C.
Identifiers: ClinVar variation 1587401 (VCV001587401.12), dbSNP rs746501807, ClinGen allele CA8913528.

ClinVar aggregate classification (germline): Likely benign. Review status: criteria provided, multiple submitters, no conflicts (2 of 4 stars). 3 submissions from 3 submitters: Likely benign (2). 1 of the submissions does not count toward it. Last evaluated 2024-02-24.

Conditions:
Inborn genetic diseases. Identifiers: MedGen C0950123, MeSH D030342.
Niemann-Pick disease, type C1. Also called: NEUROVISCERAL STORAGE DISEASE WITH VERTICAL SUPRANUCLEAR OPHTHALMOPLEGIA; NIEMANN-PICK DISEASE WITH CHOLESTEROL ESTERIFICATION BLOCK; NIEMANN-PICK DISEASE WITHOUT SPHINGOMYELINASE DEFICIENCY; NIEMANN-PICK DISEASE, CHRONIC NEURONOPATHIC FORM; NIEMANN-PICK DISEASE, VARIANT TYPE C1. Identifiers: Orphanet 646, MedGen C3179455, MONDO:0009757, OMIM 257220.
NPC1-related disorder. Also called: NPC1-related condition.

Allele frequency attached by ClinVar (database versions not stated): gnomAD 0.00001; gnomAD exomes 0.00002 and 0.00003; ExAC 0.00003.
gnomAD v4.1: 24 of 1,614,174 alleles (0.0015%); highest among the groups gnomAD compares: South Asian, 0.026%; no homozygotes.

Submissions (3):

Labcorp Genetics (formerly Invitae), Labcorp
Classification: Likely benign for Niemann-Pick disease, type C1. Last evaluated: 2024-02-24. Review status: criteria provided, single submitter. Criteria: Invitae Variant Classification Sherloc (09022015). Collection method: clinical testing. Allele origin: germline.

Ambry Genetics
Classification: Likely benign for Inborn genetic diseases. Last evaluated: 2020-11-15. Review status: criteria provided, single submitter. Criteria: Ambry Variant Classification Scheme 2023. Collection method: clinical testing. Allele origin: germline.

PreventionGenetics, part of Exact Sciences
Classification: Likely benign for NPC1-related condition. Last evaluated: 2023-01-23. Review status: no assertion criteria provided. Collection method: clinical testing. Allele origin: germline. Not counted in ClinVar's aggregate classification.
Comment: This variant is classified as likely benign based on ACMG/AMP sequence variant interpretation guidelines (Richards et al. 2015 PMID: 25741868, with internal and published modifications).